The following is an entry in ClinVar:

NC_000004.11:g.(?_5785269)_(5803831_?)dup

Gene: EVC (EvC ciliary complex subunit 1; plus strand). Cytogenetic location: 4p16.2.
Variant type: Duplication.
Identifiers: ClinVar variation 1066861 (VCV001066861.4).

ClinVar aggregate classification (germline): Likely pathogenic (1 of 4 stars; one submission).

Conditions:
Curry-Hall syndrome (WAD). Also called: WEYERS ACRODENTAL DYSOSTOSIS. Identifiers: Orphanet 952, MedGen C0457013, MONDO:0008673, OMIM 193530.
Ellis-van Creveld syndrome (EVC). Also called: EVC-Related Ellis-van Creveld Syndrome; EVC2-Related Ellis-van Creveld Syndrome; MESOECTODERMAL DYSPLASIA; Chondroectodermal dysplasia. Identifiers: Orphanet 289, MedGen C0013903, MONDO:0009162, OMIM 225500.

Submission:

Labcorp Genetics (formerly Invitae), Labcorp
Classification: Likely pathogenic for Curry-Hall syndrome; Ellis-van Creveld syndrome. Last evaluated: 2020-10-08. Review status: criteria provided, single submitter. Criteria: Invitae Variant Classification Sherloc (09022015). Collection method: clinical testing. Allele origin: germline.
Comment: This variant results in a copy number gain of the genomic region encompassing exon(s) 12-16 of the EVC gene. While the exact position of this variant cannot be determined from the data, sub-genic copy number gains are generally in tandem (PMID: 25640679). This variant is predicted to be out-of-frame, and may result in an absent or disrupted protein product. In summary, the currently available evidence indicates that the variant is pathogenic, but additional data are needed to prove that conclusively. Therefore, this variant has been classified as Likely Pathogenic. Loss-of-function variants in EVC are known to be pathogenic (PMID: 23220543). This variant has not been reported in the literature in individuals with EVC-related conditions.

Literature cited by the submitters: PubMed 25640679; PubMed 23220543.